The following is an entry in ClinVar:

ClinVar aggregate classification (germline): Benign. Review status: criteria provided, multiple submitters, no conflicts (2 of 4 stars). 2 submissions from 2 submitters: Benign (2). Last evaluated 2021-01-29.

Conditions:
Donnai-Barrow syndrome. Also called: DBS/FOAR SYNDROME; FACIOOCULOACOUSTICORENAL SYNDROME. Identifiers: Orphanet 2143, MedGen C1857277, MONDO:0009104, OMIM 222448.

Allele frequency attached by ClinVar (database versions not stated): gnomAD exomes 0.00250; gnomAD 0.01936 and 0.02066; TOPMed 0.02260; 1000 Genomes Project 0.02296; 1000 Genomes Project 30x 0.02405.
gnomAD v4.1: 3,439 of 356,926 alleles (0.96%); highest among the groups gnomAD compares: African/African-American, 6.7%; 104 homozygotes.

Submissions (2):

GeneDx
Classification: Benign. Last evaluated: 2021-01-29. Review status: criteria provided, single submitter. Criteria: GeneDx Variant Classification Process June 2021. Collection method: clinical testing. Allele origin: germline. Affected: yes.

Illumina Laboratory Services, Illumina
Classification: Benign for Donnai-Barrow syndrome. Last evaluated: 2018-01-13. Review status: criteria provided, single submitter. Criteria: ICSL Variant Classification Criteria 13 December 2019. Collection method: clinical testing. Allele origin: germline.
Comment: This variant was observed in the ICSL laboratory as part of a predisposition screen in an ostensibly healthy population. It had not been previously curated by ICSL or reported in the Human Gene Mutation Database (HGMD: prior to June 1st, 2018), and was therefore a candidate for classification through an automated scoring system. Utilizing variant allele frequency, disease prevalence and penetrance estimates, and inheritance mode, an automated score was calculated to assess if this variant is too frequent to cause the disease. Based on the score and internal cut-off values, a variant classified as benign is not then subjected to further curation. The score for this variant resulted in a classification of benign for this disease.

NM_004525.3(LRP2):c.*253T>C

Gene: LRP2 (LDL receptor related protein 2; minus strand). Cytogenetic location: 2q31.1.
Variant type: single nucleotide variant.
Coding change: c.*253T>C on transcript NM_004525.3 (MANE Select); 253 bases downstream of the stop codon, T replaced by C.
Molecular consequence: 3 prime UTR variant.
Genome position (GRCh38, 1-based): chr2:169,128,410, A>G on the plus strand (T>C on the coding strand, the complement: LRP2 is on the minus strand). VCF-style: chr2-169128410-A-G. GRCh37 (hg19) VCF-style: chr2-169984920-A-G.
Identifiers: ClinVar variation 332063 (VCV000332063.8), dbSNP rs61116673, ClinGen allele CA10611736.